The following is an entry in ClinVar:

NM_001161748.2(LIM2):c.175+31C>T

Genes: LIM2 (lens intrinsic membrane protein 2; minus strand), LIM2-AS1 (LIM2 and SIGLEC10 antisense RNA 1; plus strand). Cytogenetic location: 19q13.41.
Variant type: single nucleotide variant.
Coding change: c.175+31C>T on transcript NM_001161748.2 (MANE Select); 31 bases into the intron after coding-DNA position 175, C replaced by T.
Molecular consequence: intron variant. On other transcripts: missense variant (1).
Genome position (GRCh38, 1-based): chr19:51,387,238, G>A on the plus strand (C>T on the coding strand, the complement: LIM2 is on the minus strand). VCF-style: chr19-51387238-G-A. GRCh37 (hg19) VCF-style: chr19-51890492-G-A.
Other names: c.206C>T, p.Ala69Val (NM_030657.4); short protein forms A69V.
Identifiers: ClinVar variation 3235781 (VCV003235781.1), dbSNP rs2514206769, ClinGen allele CA407073352.

ClinVar aggregate classification (germline): Uncertain significance (1 of 4 stars; one submission).

Submission:

Greenwood Genetic Center Diagnostic Laboratories, Greenwood Genetic Center
Classification: Uncertain significance. Last evaluated: 2024-03-06. Review status: criteria provided, single submitter. Criteria: ACMG Guidelines, 2015. Collection method: clinical testing. Allele origin: germline. Affected: yes.
Comment: PM2, BP4